The following is an entry in ClinVar:

NM_000321.3(RB1):c.719-3C>T

Gene: RB1 (RB transcriptional corepressor 1; plus strand). Cytogenetic location: 13q14.2.
Variant type: single nucleotide variant.
Coding change: c.719-3C>T on transcript NM_000321.3 (MANE Select); 3 bases into the intron before coding-DNA position 719, C replaced by T.
Molecular consequence: intron variant.
Genome position (GRCh38, 1-based): chr13:48,362,812, C>T. VCF-style: chr13-48362812-C-T. GRCh37 (hg19) VCF-style: chr13-48936948-C-T.
Other names: c.719-3C>T (NM_000321.2).
Identifiers: ClinVar variation 1506116 (VCV001506116.8), dbSNP rs2138112047, ClinGen allele CA2573149554.

ClinVar aggregate classification (germline): Uncertain significance. Review status: criteria provided, multiple submitters, no conflicts (2 of 4 stars). 2 submissions from 2 submitters: Uncertain significance (2). Last evaluated 2025-05-06.

Conditions:
Hereditary cancer-predisposing syndrome. Also called: Hereditary neoplastic syndrome; Tumor predisposition; Neoplastic Syndromes, Hereditary; Hereditary Cancer Syndrome. Identifiers: Orphanet 140162, MedGen C0027672, MeSH D009386, MONDO:0015356.
Retinoblastoma (RB1). Also called: RETINOBLASTOMA, SOMATIC. Identifiers: Orphanet 790, MedGen C0035335, MeSH D012175, MONDO:0008380, OMIM 180200, HP:0009919. Disease mechanism: loss of function. Inheritance: Both sporadic and heritable forms are tested..

Submissions (2):

Ambry Genetics
Classification: Uncertain significance for Hereditary cancer-predisposing syndrome. Last evaluated: 2025-05-06. Review status: criteria provided, single submitter. Criteria: Ambry Variant Classification Scheme 2023. Collection method: clinical testing. Allele origin: germline.
Comment: The c.719-3C>T intronic variant results from a C to T substitution 3 nucleotides before coding exon 8 in the RB1 gene. This nucleotide position is highly conserved in available vertebrate species. In silico splice site analysis predicts that this alteration will not have any significant effect on splicing; however, direct evidence is insufficient at this time (Ambry internal data). Since supporting evidence is limited at this time, the clinical significance of this alteration remains unclear.

Labcorp Genetics (formerly Invitae), Labcorp
Classification: Uncertain significance for Retinoblastoma. Last evaluated: 2023-05-25. Review status: criteria provided, single submitter. Criteria: Invitae Variant Classification Sherloc (09022015). Collection method: clinical testing. Allele origin: germline.
Comment: This sequence change falls in intron 7 of the RB1 gene. It does not directly change the encoded amino acid sequence of the RB1 protein. It affects a nucleotide within the consensus splice site. This variant is not present in population databases (gnomAD no frequency). This variant has not been reported in the literature in individuals affected with RB1-related conditions. ClinVar contains an entry for this variant (Variation ID: 1506116). Variants that disrupt the consensus splice site are a relatively common cause of aberrant splicing (PMID: 17576681, 9536098). Studies have shown that this variant is associated with altered splicing resulting in unknown protein product impact (Invitae). In summary, the available evidence is currently insufficient to determine the role of this variant in disease. Therefore, it has been classified as a Variant of Uncertain Significance.

Literature cited by the submitters: PubMed 17576681 (cited by Labcorp Genetics (formerly Invitae), Labcorp); PubMed 9536098 (cited by Labcorp Genetics (formerly Invitae), Labcorp).